The following is an entry in ClinVar:

NM_000540.3(RYR1):c.10452A>G (p.Ile3484Met)

Gene: RYR1 (ryanodine receptor 1; plus strand). Cytogenetic location: 19q13.2.
Variant type: single nucleotide variant.
Coding change: c.10452A>G on transcript NM_000540.3 (MANE Select); coding-DNA position 10452, A replaced by G.
Protein change: p.Ile3484Met; replaces isoleucine 3484 with methionine.
Molecular consequence: missense variant. On other transcripts: intron variant (1).
Genome position (GRCh38, 1-based): chr19:38,523,926, A>G. VCF-style: chr19-38523926-A-G. GRCh37 (hg19) VCF-style: chr19-39014566-A-G.
Other names: c.10440+617A>G (NM_001042723.2); short protein forms I3484M.
Identifiers: ClinVar variation 3385531 (VCV003385531.1).

ClinVar aggregate classification (germline): Uncertain significance (1 of 4 stars; one submission).

Conditions:
Malignant hyperthermia, susceptibility to, 1 (MHS1). Also called: Anesthesia related hyperthermia; Malignant hyperpyrexia; Fulminating hyperpyrexia; Pharmacogenic myopathy; Malignant hyperthermia suceptibility 1; RYR1-Related Malignant Hyperthermia Susceptibility. Identifiers: Orphanet 423, MedGen C2930980, MONDO:0007783, OMIM 145600.

gnomAD v4.1: 3 of 1,613,910 alleles (0.00019%); highest among the groups gnomAD compares: South Asian, 0.0033%; no homozygotes.

Submission:

All of Us Research Program, National Institutes of Health
Classification: Uncertain significance for Malignant hyperthermia, susceptibility to, 1. Last evaluated: 2024-03-24. Review status: criteria provided, single submitter. Criteria: ACMG Guidelines, 2015. Collection method: clinical testing. Allele origin: germline. Inheritance: Autosomal dominant inheritance. Observed: 1 variant allele, 1 heterozygote.
Comment: This missense variant replaces isoleucine with methionine at codon 3484 of the RYR1 protein. Computational prediction suggests that this variant may not impact protein structure and function (internally defined REVEL score threshold <= 0.5, PMID: 27666373). To our knowledge, functional studies have not been reported for this variant. This variant has not been reported in individuals affected with RYR1-related disorders in the literature. This variant has been identified in 2/251076 chromosomes in the general population by the Genome Aggregation Database (gnomAD). The available evidence is insufficient to determine the role of this variant in disease conclusively. Therefore, this variant is classified as a Variant of Uncertain Significance.

This study involves interpretation of variants in research participants for the purpose of population health screening. Participant phenotype was not available at the time of variant classification. Additional details can be found in publication PMID: 35346344, PMCID: PMC8962531